The following is an entry in ClinVar:

ClinVar aggregate classification (germline): Pathogenic (1 of 4 stars; one submission).

Conditions:
Fraser syndrome 3. Identifiers: MedGen C4540040, MONDO:0054739, OMIM 617667.

gnomAD v4.1: 2 of 1,613,920 alleles (0.00012%); highest among the groups gnomAD compares: Non-Finnish European, 0.00017%; no homozygotes.

Submission:

Myriad Genetics, Inc.
Classification: Pathogenic for Fraser syndrome 3. Last evaluated: 2026-03-28. Review status: criteria provided, single submitter. Criteria: Myriad Autosomal Dominant, Autosomal Recessive and X-Linked Classification Criteria (2023). Collection method: clinical testing. Allele origin: unknown.
Comment: NM_021150.3(GRIP1):c.1399C>T(Q467*) is expected to be pathogenic in the context of Fraser syndrome, GRIP1-related. This variant is predicted to lead to an abnormal or absent protein product due to the creation of a premature termination codon in GRIP1, a gene where loss-of-function variants are known to be pathogenic. Please note: this variant was assessed in the context of healthy population screening.

NM_001366722.1(GRIP1):c.1555C>T (p.Gln519Ter)

Gene: GRIP1 (glutamate receptor interacting protein 1; minus strand). Cytogenetic location: 12q14.3.
Variant type: single nucleotide variant.
Coding change: c.1555C>T on transcript NM_001366722.1 (MANE Select); coding-DNA position 1555, C replaced by T.
Protein change: p.Gln519Ter; replaces glutamine 519 with a stop codon.
Molecular consequence: nonsense.
Genome position (GRCh38, 1-based): chr12:66,444,716, G>A on the plus strand (C>T on the coding strand, the complement: GRIP1 is on the minus strand). VCF-style: chr12-66444716-G-A. GRCh37 (hg19) VCF-style: chr12-66838496-G-A.
Other names: c.1399C>T, p.Gln467Ter (NM_001178074.2, NM_001379351.1, NM_021150.4); c.1474C>T, p.Gln492Ter (NM_001366723.1, NM_001379348.1); c.1477C>T, p.Gln493Ter (NM_001366724.1, NM_001379347.1); c.1633C>T, p.Gln545Ter (NM_001379345.1); c.1555C>T, p.Gln519Ter (NM_001379346.1, NM_001439323.1); c.1402C>T, p.Gln468Ter (NM_001379349.1); c.1558C>T, p.Gln520Ter (NM_001439322.1); short protein forms Q467*, Q468*, Q492*, Q493*, Q519*, Q520*, Q545*.
Identifiers: ClinVar variation 5015743 (VCV005015743.1).